The following is an entry in ClinVar:

ClinVar aggregate classification (germline): Uncertain significance (1 of 4 stars; one submission).

Conditions:
Paroxysmal nonkinesigenic dyskinesia. Also called: Paroxysmal non-kinesigenic dyskinesia. Identifiers: Orphanet 98810, MedGen C1869117, MONDO:0700088.

Allele frequency attached by ClinVar (database versions not stated): gnomAD 0.00001; TOPMed 0.00001.

Submission:

Labcorp Genetics (formerly Invitae), Labcorp
Classification: Uncertain significance for Paroxysmal nonkinesigenic dyskinesia. Last evaluated: 2023-03-04. Review status: criteria provided, single submitter. Criteria: Invitae Variant Classification Sherloc (09022015). Collection method: clinical testing. Allele origin: germline.
Comment: In summary, the available evidence is currently insufficient to determine the role of this variant in disease. Therefore, it has been classified as a Variant of Uncertain Significance. An algorithm developed to predict the effect of missense changes on protein structure and function (PolyPhen-2) suggests that this variant is likely to be disruptive. This variant has not been reported in the literature in individuals affected with PNKD-related conditions. This variant is present in population databases (no rsID available, gnomAD 0.008%). This sequence change replaces arginine, which is basic and polar, with tryptophan, which is neutral and slightly polar, at codon 39 of the PNKD protein (p.Arg39Trp).

NM_015488.5(PNKD):c.115C>T (p.Arg39Trp)

Gene: PNKD (PNKD metallo-beta-lactamase domain containing; plus strand). Cytogenetic location: 2q35.
Variant type: single nucleotide variant.
Coding change: c.115C>T on transcript NM_015488.5 (MANE Select); coding-DNA position 115, C replaced by T.
Protein change: p.Arg39Trp; replaces arginine 39 with tryptophan.
Molecular consequence: missense variant.
Genome position (GRCh38, 1-based): chr2:218,271,428, C>T. VCF-style: chr2-218271428-C-T. GRCh37 (hg19) VCF-style: chr2-219136151-C-T.
Other names: c.115C>T, p.Arg39Trp (NM_001077399.3); short protein forms R39W.
Identifiers: ClinVar variation 2917694 (VCV002917694.3), dbSNP rs1376337203, ClinGen allele CA350544643.